The following is an entry in ClinVar:

NM_000368.5(TSC1):c.663+1G>A

Gene: TSC1 (TSC complex subunit 1; minus strand). Cytogenetic location: 9q34.13.
Variant type: single nucleotide variant.
Coding change: c.663+1G>A on transcript NM_000368.5 (MANE Select); the canonical splice donor site of the intron after coding-DNA position 663, G replaced by A.
Molecular consequence: splice donor variant.
Genome position (GRCh38, 1-based): chr9:132,921,818, C>T on the plus strand (G>A on the coding strand, the complement: TSC1 is on the minus strand). VCF-style: chr9-132921818-C-T. GRCh37 (hg19) VCF-style: chr9-135797205-C-T.
Other names: c.300+1G>A (NM_001406620.1, NM_001406618.1, NM_001406625.1 and 10 more transcripts); c.510+1G>A (NM_001406613.1, NM_001406612.1, NM_001406610.1 and 2 more transcripts); c.-215+1G>A (NM_001406627.1, NM_001406628.1, NM_001406626.1); c.-357+1G>A (NM_001406629.1); c.663+1G>A (NM_001406603.1, NM_001406609.1, NM_001406597.1 and 16 more transcripts); c.-431+1G>A (NM_001406630.1).
Identifiers: ClinVar variation 49076 (VCV000049076.11), dbSNP rs118203419, ClinGen allele CA007957.

ClinVar aggregate classification (germline): Pathogenic/Likely pathogenic. Review status: criteria provided, multiple submitters, no conflicts (2 of 4 stars). 4 submissions from 4 submitters: Pathogenic (2); Likely pathogenic (1). 1 of the submissions does not count toward it. Last evaluated 2025-03-15.

Conditions:
Malignant tumor of urinary bladder. Also called: Bladder cancer; Urinary bladder cancer; Urinary Bladder Neoplasms. Identifiers: MedGen C0005684, MONDO:0001187, OMIM 109800.
Tuberous sclerosis 1 (TSC1). Identifiers: Orphanet 805, MedGen C1854465, MONDO:0008612, OMIM 191100.

Submissions (4):

Labcorp Genetics (formerly Invitae), Labcorp
Classification: Likely pathogenic for Tuberous sclerosis 1. Last evaluated: 2025-03-15. Review status: criteria provided, single submitter. Criteria: Invitae Variant Classification Sherloc (09022015). Collection method: clinical testing. Allele origin: germline.
Comment: This sequence change affects a donor splice site in intron 7 of the TSC1 gene. It is expected to disrupt RNA splicing. Variants that disrupt the donor or acceptor splice site typically lead to a loss of protein function (PMID: 16199547), and loss-of-function variants in TSC1 are known to be pathogenic (PMID: 10227394, 17304050). This variant is not present in population databases (gnomAD no frequency). Disruption of this splice site has been observed in individual(s) with clinical features of TSC1-related conditions (PMID: 32917966, 37329172). ClinVar contains an entry for this variant (Variation ID: 49076). Algorithms developed to predict the effect of sequence changes on RNA splicing suggest that this variant may disrupt the consensus splice site. In summary, the currently available evidence indicates that the variant is pathogenic, but additional data are needed to prove that conclusively. Therefore, this variant has been classified as Likely Pathogenic.

Genome-Nilou Lab
Classification: Pathogenic for Tuberous sclerosis 1. Last evaluated: 2021-11-07. Review status: criteria provided, single submitter. Criteria: ACMG Guidelines, 2015. Collection method: clinical testing. Allele origin: germline. Affected: no.

GeneDx
Classification: Pathogenic. Last evaluated: 2019-09-26. Review status: criteria provided, single submitter. Criteria: GeneDx Variant Classification Process June 2021. Collection method: clinical testing. Allele origin: germline. Affected: yes.
Comment: Canonical splice site variant in a gene for which loss-of-function is a known mechanism of disease; Not observed in large population cohorts (Lek 2016); This variant is associated with the following publications: (PMID: 15798777, 12853839, 10227394, 17304050)

Tuberous sclerosis database (TSC1)
No classification provided. Condition: Bladder cancer. Review status: no classification provided. Criteria: Tuberous Sclerosis Database Assertion Criteria 2015. Collection method: curation. Allele origin: germline. Affected: yes. Not counted in ClinVar's aggregate classification.

Literature cited by the submitters: PubMed 16199547 (cited by Labcorp Genetics (formerly Invitae), Labcorp); PubMed 10227394 (cited by Labcorp Genetics (formerly Invitae), Labcorp); PubMed 17304050 (cited by Labcorp Genetics (formerly Invitae), Labcorp); PubMed 32917966 (cited by Labcorp Genetics (formerly Invitae), Labcorp); PubMed 37329172 (cited by Labcorp Genetics (formerly Invitae), Labcorp).